The following is an entry in ClinVar:

ClinVar aggregate classification (germline): Uncertain significance (1 of 4 stars; one submission).

Conditions:
Inborn genetic diseases. Identifiers: MedGen C0950123, MeSH D030342.

Allele frequency attached by ClinVar (database versions not stated): gnomAD exomes below 0.00001.
gnomAD v4.1: 4 of 1,612,990 alleles (0.00025%); highest among the groups gnomAD compares: Non-Finnish European, 0.00034%; no homozygotes.

Submission:

Ambry Genetics
Classification: Uncertain significance for Inborn genetic diseases. Last evaluated: 2019-11-01. Review status: criteria provided, single submitter. Criteria: Ambry Variant Classification Scheme 2023. Collection method: clinical testing. Allele origin: germline.
Comment: The p.I801V variant (also known as c.2401A>G), located in coding exon 8 of the DYNC1H1 gene, results from an A to G substitution at nucleotide position 2401. The isoleucine at codon 801 is replaced by valine, an amino acid with highly similar properties. This amino acid position is highly conserved in available vertebrate species. In addition, this alteration is predicted to be tolerated by in silico analysis. Since supporting evidence is limited at this time, the clinical significance of this alteration remains unclear.

NM_001376.5(DYNC1H1):c.2401A>G (p.Ile801Val)

Gene: DYNC1H1 (dynein cytoplasmic 1 heavy chain 1; plus strand). Cytogenetic location: 14q32.31.
Variant type: single nucleotide variant.
Coding change: c.2401A>G on transcript NM_001376.5 (MANE Select); coding-DNA position 2401, A replaced by G.
Protein change: p.Ile801Val; replaces isoleucine 801 with valine.
Molecular consequence: missense variant.
Genome position (GRCh38, 1-based): chr14:101,986,626, A>G. VCF-style: chr14-101986626-A-G. GRCh37 (hg19) VCF-style: chr14-102452963-A-G.
Other names: short protein forms I801V.
Identifiers: ClinVar variation 1790739 (VCV001790739.2), dbSNP rs2503696272, ClinGen allele CA391023528.